The following is an entry in ClinVar:

NM_001846.4(COL4A2):c.3088G>A (p.Gly1030Ser)

Gene: COL4A2 (collagen type IV alpha 2 chain; plus strand). Cytogenetic location: 13q34.
Variant type: single nucleotide variant.
Coding change: c.3088G>A on transcript NM_001846.4 (MANE Select); coding-DNA position 3088, G replaced by A.
Protein change: p.Gly1030Ser; replaces glycine 1030 with serine.
Molecular consequence: missense variant.
Genome position (GRCh38, 1-based): chr13:110,485,717, G>A. VCF-style: chr13-110485717-G-A. GRCh37 (hg19) VCF-style: chr13-111138064-G-A.
Other names: short protein forms G1030S.
Identifiers: ClinVar variation 5038796 (VCV005038796.1).

ClinVar aggregate classification (germline): Uncertain significance (1 of 4 stars; one submission).

gnomAD v4.1: 14 of 1,613,510 alleles (0.00087%); highest among the groups gnomAD compares: East Asian, 0.0045%; no homozygotes.

Submission:

CeGaT Center for Human Genetics Tuebingen
Classification: Uncertain significance. Last evaluated: 2026-07-01. Review status: criteria provided, single submitter. Criteria: CeGaT Center For Human Genetics Tuebingen Variant Classification Criteria Version 2. Collection method: clinical testing. Allele origin: germline. Affected: yes. Observed: 1 variant allele.
Comment: COL4A2: PM1:Strong, PM2:Supporting